The following is an entry in ClinVar:

ClinVar aggregate classification (germline): Uncertain significance (1 of 4 stars; one submission).

Conditions:
RASopathy. Also called: Noonan spectrum disorder; rasopathies. Identifiers: Orphanet 536391, MedGen C5555857, MONDO:0021060.

Allele frequency attached by ClinVar (database versions not stated): gnomAD exomes below 0.00001; gnomAD 0.00001.
gnomAD v4.1: 8 of 1,612,814 alleles (0.0005%); highest among the groups gnomAD compares: Non-Finnish European, 0.00051%; no homozygotes.

Submission:

Labcorp Genetics (formerly Invitae), Labcorp
Classification: Uncertain significance for RASopathy. Last evaluated: 2024-03-12. Review status: criteria provided, single submitter. Criteria: Invitae Variant Classification Sherloc (09022015). Collection method: clinical testing. Allele origin: germline.
Comment: This sequence change replaces isoleucine, which is neutral and non-polar, with threonine, which is neutral and polar, at codon 100 of the NRAS protein (p.Ile100Thr). This variant is present in population databases (no rsID available, gnomAD 0.007%). This variant has not been reported in the literature in individuals affected with NRAS-related conditions. ClinVar contains an entry for this variant (Variation ID: 1449526). Advanced modeling of protein sequence and biophysical properties (such as structural, functional, and spatial information, amino acid conservation, physicochemical variation, residue mobility, and thermodynamic stability) performed at Invitae indicates that this missense variant is expected to disrupt NRAS protein function with a positive predictive value of 95%. In summary, the available evidence is currently insufficient to determine the role of this variant in disease. Therefore, it has been classified as a Variant of Uncertain Significance.

NM_002524.5(NRAS):c.299T>C (p.Ile100Thr)

Gene: NRAS (NRAS proto-oncogene, GTPase; minus strand). Cytogenetic location: 1p13.2.
Variant type: single nucleotide variant.
Coding change: c.299T>C on transcript NM_002524.5 (MANE Select); coding-DNA position 299, T replaced by C.
Protein change: p.Ile100Thr; replaces isoleucine 100 with threonine.
Molecular consequence: missense variant.
Genome position (GRCh38, 1-based): chr1:114,709,720, A>G on the plus strand (T>C on the coding strand, the complement: NRAS is on the minus strand). VCF-style: chr1-114709720-A-G. GRCh37 (hg19) VCF-style: chr1-115252341-A-G.
Other names: short protein forms I100T.
Identifiers: ClinVar variation 1449526 (VCV001449526.6), dbSNP rs1428145562, ClinGen allele CA341739782.
Genomic context (GRCh38, chr1:114,709,720, plus strand): 5'-AAATCACACTTGTTTCCCACTAGCACCATAGGTACATCATCCGAGTCTTTTACTCGCTTA[A>G]TCTGCTCCCTAAAAACGGGAATATATTATCAGAACATAAGAAAAACAAGATTAGGCTGGG-3'
Protein context (NP_002515.1, residues 90-110): FADINLYREQ[Ile100Thr]KRVKDSDDVP